The following is an entry in ClinVar:

NM_006612.6(KIF1C):c.702G>A (p.Thr234=)

Gene: KIF1C (kinesin family member 1C; plus strand). Cytogenetic location: 17p13.2.
Variant type: single nucleotide variant.
Coding change: c.702G>A on transcript NM_006612.6 (MANE Select); coding-DNA position 702, G replaced by A.
Protein change: p.Thr234=; no amino-acid change (threonine 234 retained).
Molecular consequence: synonymous variant.
Genome position (GRCh38, 1-based): chr17:5,002,824, G>A. VCF-style: chr17-5002824-G-A. GRCh37 (hg19) VCF-style: chr17-4906119-G-A.
Other names: p.Thr234=.
Identifiers: ClinVar variation 1936982 (VCV001936982.6), dbSNP rs150944204, ClinGen allele CA8318649.

ClinVar aggregate classification (germline): Likely benign. Review status: criteria provided, multiple submitters, no conflicts (2 of 4 stars). 2 submissions from 2 submitters: Likely benign (2). Last evaluated 2025-10-09.

Conditions:
Spastic ataxia 2. Also called: Ataxia, spastic, 2, autosomal recessive. Identifiers: Orphanet 397946, MedGen C1969796, MONDO:0012651, OMIM 611302.

Allele frequency attached by ClinVar (database versions not stated): TOPMed 0.00027; ESP Exome Variant Server 0.00031.
gnomAD v4.1: 57 of 1,612,320 alleles (0.0035%); highest among the groups gnomAD compares: African/African-American, 0.052%; no homozygotes.

Submissions (2):

Labcorp Genetics (formerly Invitae), Labcorp
Classification: Likely benign for Spastic ataxia 2. Last evaluated: 2025-10-09. Review status: criteria provided, single submitter. Criteria: Invitae Variant Classification Sherloc (09022015). Collection method: clinical testing. Allele origin: germline.

Mayo Clinic Laboratories, Mayo Clinic
Classification: Likely benign. Last evaluated: 2024-10-14. Review status: criteria provided, single submitter. Criteria: ACMG Guidelines, 2015. Collection method: clinical testing. Allele origin: germline. Observed: 1 variant allele.
Comment: BP4, BP7